The following is an entry in ClinVar:

NM_017433.5(MYO3A):c.3859C>A (p.Pro1287Thr)

Gene: MYO3A (myosin IIIA; plus strand). Cytogenetic location: 10p12.1.
Variant type: single nucleotide variant.
Coding change: c.3859C>A on transcript NM_017433.5 (MANE Select); coding-DNA position 3859, C replaced by A.
Protein change: p.Pro1287Thr; replaces proline 1287 with threonine.
Molecular consequence: missense variant.
Genome position (GRCh38, 1-based): chr10:26,174,123, C>A. VCF-style: chr10-26174123-C-A. GRCh37 (hg19) VCF-style: chr10-26463052-C-A.
Other names: short protein forms P1287T.
Identifiers: ClinVar variation 45810 (VCV000045810.50), dbSNP rs35575696, ClinGen allele CA137081.

ClinVar aggregate classification (germline): Conflicting classifications of pathogenicity. Review status: criteria provided, conflicting classifications (1 of 4 stars). 6 submissions from 6 submitters: Uncertain significance (1); Benign (5). Last evaluated 2026-09-01.

Conditions:
Autosomal recessive nonsyndromic hearing loss 30. Identifiers: Orphanet 90636, MedGen C1846784, MONDO:0011774, OMIM 607101.

Allele frequency attached by ClinVar (database versions not stated): gnomAD exomes 0.00929; 1000 Genomes Project 30x 0.00390; 1000 Genomes Project 0.00399; ESP Exome Variant Server 0.00792; TOPMed 0.00677; ExAC 0.00987; gnomAD 0.00802 and 0.00819.
gnomAD v4.1: 17,233 of 1,614,124 alleles (1.1%); highest among the groups gnomAD compares: South Asian, 1.5%; 118 homozygotes.

Submissions (6):

CeGaT Center for Human Genetics Tuebingen
Classification: Benign. Last evaluated: 2026-09-01. Review status: criteria provided, single submitter. Criteria: CeGaT Center For Human Genetics Tuebingen Variant Classification Criteria Version 2. Collection method: clinical testing. Allele origin: germline. Affected: yes. Observed: 11 variant alleles.
Comment: MYO3A: BP4, BS1, BS2

Labcorp Genetics (formerly Invitae), Labcorp
Classification: Benign. Last evaluated: 2026-01-04. Review status: criteria provided, single submitter. Criteria: Invitae Variant Classification Sherloc (09022015). Collection method: clinical testing. Allele origin: germline.

Athena Diagnostics
Classification: Benign. Last evaluated: 2020-07-22. Review status: criteria provided, single submitter. Criteria: Athena Diagnostics Criteria. Collection method: clinical testing. Allele origin: unknown.

GeneDx
Classification: Benign. Last evaluated: 2018-05-03. Review status: criteria provided, single submitter. Criteria: GeneDx Variant Classification Process June 2021. Collection method: clinical testing. Allele origin: germline. Affected: yes.

Illumina Laboratory Services, Illumina
Classification: Uncertain significance for Autosomal recessive nonsyndromic hearing loss 30. Last evaluated: 2018-01-13. Review status: criteria provided, single submitter. Criteria: ICSL Variant Classification Criteria 13 December 2019. Collection method: clinical testing. Allele origin: germline.

Laboratory for Molecular Medicine, Mass General Brigham Personalized Medicine
Classification: Benign. Last evaluated: 2012-05-07. Review status: criteria provided, single submitter. Criteria: LMM Criteria. Collection method: clinical testing. Allele origin: germline. Observed: 35 variant alleles.
Comment: Pro1287Thr in Exon 30 of MYO3A: This variant is not expected to have clinical si gnificance because it has been identified in 1.0% (72/7020) of European American chromosomes from a broad population by the NHLBI Exome Sequencing Project (dbSNP rs35575696).